The following is an entry in ClinVar:

NM_002878.4(RAD51D):c.361G>A (p.Ala121Thr)

Genes: RAD51D (RAD51 paralog D; minus strand), RAD51L3-RFFL (RAD51L3-RFFL readthrough; minus strand). Cytogenetic location: 17q12.
Variant type: single nucleotide variant.
Coding change: c.361G>A on transcript NM_002878.4 (MANE Select); coding-DNA position 361, G replaced by A.
Protein change: p.Ala121Thr; replaces alanine 121 with threonine.
Molecular consequence: missense variant. On other transcripts: non-coding transcript variant (1), intron variant (1).
Genome position (GRCh38, 1-based): chr17:35,107,107, C>T on the plus strand (G>A on the coding strand, the complement: RAD51D is on the minus strand). VCF-style: chr17-35107107-C-T. GRCh37 (hg19) VCF-style: chr17-33434126-C-T.
Other names: c.421G>A, p.Ala141Thr (NM_001142571.2); c.145-626G>A (NM_133629.3); short protein forms A121T, A141T.
Identifiers: ClinVar variation 484777 (VCV000484777.11), dbSNP rs1555568366, ClinGen allele CA399089378.

ClinVar aggregate classification (germline): Uncertain significance. Review status: criteria provided, multiple submitters, no conflicts (2 of 4 stars). 3 submissions from 3 submitters: Uncertain significance (3). Last evaluated 2023-06-27.

Conditions:
Breast-ovarian cancer, familial, susceptibility to, 4. Identifiers: Orphanet 145, MedGen C3280345, MONDO:0013669, OMIM 614291.
Hereditary breast ovarian cancer syndrome. Also called: Hereditary breast and ovarian cancer syndrome; Hereditary breast and ovarian cancer; Hereditary breast and ovarian cancer syndrome (HBOC); Breast and ovarian cancer; Hereditary breast and/or ovarian cancer syndrome; BRCA1- and BRCA2-Associated Hereditary Breast and Ovarian Cancer. Identifiers: Orphanet 145, MedGen C0677776, MeSH D061325, MONDO:0003582. Disease mechanism: loss of function.
Hereditary cancer-predisposing syndrome. Also called: Neoplastic Syndromes, Hereditary; Tumor predisposition; Hereditary Cancer Syndrome; Hereditary neoplastic syndrome. Identifiers: Orphanet 140162, MedGen C0027672, MeSH D009386, MONDO:0015356.

Submissions (3):

Labcorp Genetics (formerly Invitae), Labcorp
Classification: Uncertain significance for Breast-ovarian cancer, familial, susceptibility to, 4. Last evaluated: 2023-06-27. Review status: criteria provided, single submitter. Criteria: Invitae Variant Classification Sherloc (09022015). Collection method: clinical testing. Allele origin: germline.
Comment: This sequence change replaces alanine, which is neutral and non-polar, with threonine, which is neutral and polar, at codon 121 of the RAD51D protein (p.Ala121Thr). This variant is not present in population databases (gnomAD no frequency). This variant has not been reported in the literature in individuals affected with RAD51D-related conditions. ClinVar contains an entry for this variant (Variation ID: 484777). Advanced modeling of protein sequence and biophysical properties (such as structural, functional, and spatial information, amino acid conservation, physicochemical variation, residue mobility, and thermodynamic stability) performed at Invitae indicates that this missense variant is not expected to disrupt RAD51D protein function. In summary, the available evidence is currently insufficient to determine the role of this variant in disease. Therefore, it has been classified as a Variant of Uncertain Significance.

Department of Pathology and Laboratory Medicine, Sinai Health System
Classification: Uncertain significance for Hereditary breast ovarian cancer syndrome. Last evaluated: 2021-06-09. Review status: criteria provided, single submitter. Criteria: ACMG Guidelines, 2015. Collection method: clinical testing. Allele origin: germline. Affected: yes.

Ambry Genetics
Classification: Uncertain significance for Hereditary cancer-predisposing syndrome. Last evaluated: 2018-01-15. Review status: criteria provided, single submitter. Criteria: Ambry Variant Classification Scheme 2023. Collection method: clinical testing. Allele origin: germline.
Comment: The p.A121T variant (also known as c.361G>A), located in coding exon 5 of the RAD51D gene, results from a G to A substitution at nucleotide position 361. The alanine at codon 121 is replaced by threonine, an amino acid with similar properties. This amino acid position is well conserved in available vertebrate species. In addition, the in silico prediction for this alteration is inconclusive. Since supporting evidence is limited at this time, the clinical significance of this alteration remains unclear.